The following is an entry in ClinVar:

ClinVar aggregate classification (germline): Likely benign. Review status: criteria provided, multiple submitters, no conflicts (2 of 4 stars). 5 submissions from 5 submitters: Likely benign (4). 1 of the submissions does not count toward it. Last evaluated 2026-04-24.

Conditions:
FAT2-related disorder. Also called: FAT2-related condition.

Allele frequency attached by ClinVar (database versions not stated): ExAC 0.00022; ESP Exome Variant Server 0.00038; gnomAD 0.00045; TOPMed 0.00046; 1000 Genomes Project 30x 0.00156; 1000 Genomes Project 0.00180.
gnomAD v4.1: 240 of 1,614,088 alleles (0.015%); highest among the groups gnomAD compares: African/African-American, 0.17%; no homozygotes.

Submissions (5):

Women's Health and Genetics/Laboratory Corporation of America, LabCorp
Classification: Likely benign. Last evaluated: 2026-04-24. Review status: criteria provided, single submitter. Criteria: LabCorp Variant Classification Summary - May 2015. Collection method: clinical testing. Allele origin: germline.

Ambry Genetics
Classification: Likely benign. Last evaluated: 2025-08-03. Review status: criteria provided, single submitter. Criteria: Ambry Variant Classification Scheme 2023. Collection method: clinical testing. Allele origin: germline.

CeGaT Center for Human Genetics Tuebingen
Classification: Likely benign. Last evaluated: 2025-05-01. Review status: criteria provided, single submitter. Criteria: CeGaT Center For Human Genetics Tuebingen Variant Classification Criteria Version 2. Collection method: clinical testing. Allele origin: germline. Affected: yes. Observed: 1 variant allele.
Comment: FAT2: BP4, BP7

Labcorp Genetics (formerly Invitae), Labcorp
Classification: Likely benign. Last evaluated: 2025-03-24. Review status: criteria provided, single submitter. Criteria: Invitae Variant Classification Sherloc (09022015). Collection method: clinical testing. Allele origin: germline.

PreventionGenetics, part of Exact Sciences
Classification: Likely benign for FAT2-related condition. Last evaluated: 2019-06-06. Review status: no assertion criteria provided. Collection method: clinical testing. Allele origin: germline. Not counted in ClinVar's aggregate classification.
Comment: This variant is classified as likely benign based on ACMG/AMP sequence variant interpretation guidelines (Richards et al. 2015 PMID: 25741868, with internal and published modifications).

NM_001447.3(FAT2):c.5421G>A (p.Pro1807=)

Genes: FAT2 (FAT atypical cadherin 2; minus strand), SLC36A1 (solute carrier family 36 member 1; plus strand). Cytogenetic location: 5q33.1.
Variant type: single nucleotide variant.
Coding change: c.5421G>A on transcript NM_001447.3 (MANE Select); coding-DNA position 5421, G replaced by A.
Protein change: p.Pro1807=; no amino-acid change (proline 1807 retained).
Molecular consequence: synonymous variant.
Genome position (GRCh38, 1-based): chr5:151,545,706, C>T on the plus strand (G>A on the coding strand, the complement: FAT2 is on the minus strand). VCF-style: chr5-151545706-C-T. GRCh37 (hg19) VCF-style: chr5-150925267-C-T.
Other names: c.5421G>A (NM_001447.2).
Identifiers: ClinVar variation 2072195 (VCV002072195.18), dbSNP rs141940054, ClinGen allele CA3521291.